The following is an entry in ClinVar:

NM_014336.5(AIPL1):c.651A>G (p.Pro217=)

Gene: AIPL1 (AIP like 1 HSP90 co-chaperone; minus strand). Cytogenetic location: 17p13.2.
Variant type: single nucleotide variant.
Coding change: c.651A>G on transcript NM_014336.5 (MANE Select); coding-DNA position 651, A replaced by G.
Protein change: p.Pro217=; no amino-acid change (proline 217 retained).
Molecular consequence: synonymous variant. On other transcripts: intron variant (1).
Genome position (GRCh38, 1-based): chr17:6,426,748, T>C on the plus strand (A>G on the coding strand, the complement: AIPL1 is on the minus strand). VCF-style: chr17-6426748-T-C. GRCh37 (hg19) VCF-style: chr17-6330068-T-C.
Other names: NM_014336.5(AIPL1):c.651A>G; p.Pro217=; c.462A>G, p.Pro154= (NM_001033054.3); c.471A>G, p.Pro157= (NM_001033055.3); c.615A>G, p.Pro205= (NM_001285399.3); c.585A>G, p.Pro195= (NM_001285400.3); c.534A>G, p.Pro178= (NM_001285402.2); c.627A>G, p.Pro209= (NM_001285403.4); and 1 more.
Identifiers: ClinVar variation 99805 (VCV000099805.37), dbSNP rs2292546, ClinGen allele CA227890.

ClinVar aggregate classification (germline): Benign. Review status: reviewed by expert panel (3 of 4 stars). 13 submissions from 12 submitters: Benign (1). 12 of the submissions do not count toward it. Last evaluated 2025-09-29.

Conditions:
AIPL1-related retinopathy. Also called: AIPL1 retinopathy. Identifiers: MedGen CN305590, MONDO:0100438.
Retinitis pigmentosa (RP). Identifiers: Orphanet 791, MedGen C0035334, MeSH D012174, MONDO:0019200, OMIM 268000. Inheritance: Autosomal dominant, autosomal recessive and X linked inheritance.
Leber congenital amaurosis 4 (LCA4). Identifiers: MedGen C1858386, MONDO:0011458, OMIM 604393.

Allele frequency attached by ClinVar (database versions not stated): 1000 Genomes Project 0.71366; 1000 Genomes Project 30x 0.71627; ExAC 0.72498; gnomAD exomes 0.72832 and 0.73710; gnomAD 0.73380 and 0.73525; ESP Exome Variant Server 0.73866; TOPMed 0.74135.
gnomAD v4.1: 1,189,551 of 1,613,650 alleles (74%); highest among the groups gnomAD compares: Middle Eastern, 87%; 439,818 homozygotes.

Submissions (13):

ClinGen Leber Congenital Amaurosis/early Onset Retinal Dystrophy Variant Curation Expert Panel, ClinGen
Classification: Benign for AIPL1-related retinopathy. Last evaluated: 2025-09-29. Review status: reviewed by expert panel. Criteria: ClinGen LCAeoRD ACMG Specifications AIPL1 V1.0.0. Collection method: curation. Allele origin: germline. Inheritance: Autosomal recessive inheritance.
Comment: The variant NM_014336.5(AIPL1):c.651A>G (p.Pro217=), is a synonymous variant in exon 5 of 6 in which the A nucleotide is replaced with a G at position c.651 and the amino acid at p.217 remains as proline. This variant is present in gnomAD v.4.1.0 at a Grpmax filtering allele frequency of 0.8496, with 5,269 alleles / 6,062 total alleles in the Middle Eastern population, which is higher than the ClinGen LCA/eoRD VCEP BA1 threshold of greater than or equal to 0.0057 (BA1). The variant has been found in the homozygous state in 439,818 adult individuals in gnomAD which exceeds the LCA/eoRD VCEP threshold of ≥6 (gnomAD version 4.1.0; BS2). The splicing impact predictor SpliceAI gives a delta score of 0.08 for acceptor gain, which is below the ClinGen LCA/eoRD VCEP recommended threshold of <0.1 and does not predict an impact on splicing. Additionally, the PhyloP score is -0.327, which suggests that the nucleotide is not highly conserved (BP4, BP7). In summary, this variant meets the criteria to be classified as Benign for AIPL1-related retinopathy based on the ACMG/AMP criteria applied, as specified by the ClinGen LCA/eoRD VCEP: BA1, BS2, BP4, and BP7. (VCEP specifications version 1.0.0; date of approval 09/240/2025).

Labcorp Genetics (formerly Invitae), Labcorp
Classification: Benign for Leber congenital amaurosis 4. Last evaluated: 2026-02-04. Review status: criteria provided, single submitter. Criteria: Invitae Variant Classification Sherloc (09022015). Collection method: clinical testing. Allele origin: germline. Not counted in ClinVar's aggregate classification.

Women's Health and Genetics/Laboratory Corporation of America, LabCorp
Classification: Benign. Last evaluated: 2025-06-07. Review status: criteria provided, single submitter. Criteria: LabCorp Variant Classification Summary - May 2015. Collection method: clinical testing. Allele origin: germline. Not counted in ClinVar's aggregate classification.

Blueprint Genetics
Classification: Benign. Last evaluated: 2024-11-28. Review status: criteria provided, single submitter. Criteria: ACMG Guidelines, 2015. Collection method: clinical testing. Allele origin: germline. Not counted in ClinVar's aggregate classification.

ARUP Laboratories, Molecular Genetics and Genomics, ARUP Laboratories
Classification: Benign. Last evaluated: 2023-11-29. Review status: criteria provided, single submitter. Criteria: ARUP Molecular Germline Variant Investigation Process 2024. Collection method: clinical testing. Allele origin: germline. Not counted in ClinVar's aggregate classification.

Illumina Laboratory Services, Illumina
Classification: Benign for Leber congenital amaurosis 4. Last evaluated: 2018-01-13. Review status: criteria provided, single submitter. Criteria: ICSL Variant Classification Criteria 13 December 2019. Collection method: clinical testing. Allele origin: germline. Not counted in ClinVar's aggregate classification.
Comment: This variant was observed in the ICSL laboratory as part of a predisposition screen in an ostensibly healthy population. It had not been previously curated by ICSL or reported in the Human Gene Mutation Database (HGMD: prior to June 1st, 2018), and was therefore a candidate for classification through an automated scoring system. Utilizing variant allele frequency, disease prevalence and penetrance estimates, and inheritance mode, an automated score was calculated to assess if this variant is too frequent to cause the disease. Based on the score and internal cut-off values, a variant classified as benign is not then subjected to further curation. The score for this variant resulted in a classification of benign for this disease.

Illumina Laboratory Services, Illumina
Classification: Benign for Retinitis pigmentosa. Last evaluated: 2018-01-13. Review status: criteria provided, single submitter. Criteria: ICSL Variant Classification Criteria 13 December 2019. Collection method: clinical testing. Allele origin: germline. Not counted in ClinVar's aggregate classification.
Comment: the same text as in the submission from Illumina Laboratory Services, Illumina above.

GeneDx
Classification: Benign. Last evaluated: 2015-03-03. Review status: criteria provided, single submitter. Criteria: GeneDx Variant Classification Process June 2021. Collection method: clinical testing. Allele origin: germline. Affected: yes. Not counted in ClinVar's aggregate classification.

Breakthrough Genomics
Classification: Likely benign. Review status: criteria provided, single submitter. Criteria: ACMG Guidelines, 2015. Collection method: not provided. Allele origin: germline. Inheritance: Autosomal recessive inheritance. Affected: yes. Not counted in ClinVar's aggregate classification.

PreventionGenetics, part of Exact Sciences
Classification: Benign. Review status: criteria provided, single submitter. Criteria: ACMG Guidelines, 2015. Collection method: clinical testing. Allele origin: germline. Not counted in ClinVar's aggregate classification.

Diagnostic Laboratory, Department of Genetics, University Medical Center Groningen
Classification: Benign. Review status: no assertion criteria provided. Collection method: clinical testing. Allele origin: germline. Affected: yes. Study: VKGL Data-share Consensus. Not counted in ClinVar's aggregate classification.

Joint Genome Diagnostic Labs from Nijmegen and Maastricht, Radboudumc and MUMC+
Classification: Benign. Review status: no assertion criteria provided. Collection method: clinical testing. Allele origin: germline. Affected: yes. Study: VKGL Data-share Consensus. Not counted in ClinVar's aggregate classification.

Retina International
No classification provided. Review status: no classification provided. Collection method: not provided. Allele origin: unknown. Not counted in ClinVar's aggregate classification.